The following is an entry in ClinVar:

ClinVar aggregate classification (germline): Likely pathogenic (1 of 4 stars; one submission).

Conditions:
Charcot-Marie-Tooth disease, axonal, autosomal recessive, type 2a2b;. Also called: Charcot-Marie-Tooth disease, axonal, autosomal recessive, type 2A2B; Charcot-Marie-Tooth disease, axonal, type 2A2B. Identifiers: MedGen C4310725, MONDO:0014906, OMIM 617087.

Submission:

3billion
Classification: Likely pathogenic for Charcot-Marie-Tooth disease, axonal, autosomal recessive, type 2a2b;. Last evaluated: 2025-07-31. Review status: criteria provided, single submitter. Criteria: ACMG Guidelines, 2015. Collection method: clinical testing. Allele origin: germline. Affected: yes.
Comment: The variant is not observed in the gnomAD v4.1.0 dataset. Predicted Consequence/Location: Frameshift: predicted to result in a loss or disruption of normal protein function through nonsense-mediated decay (NMD) or protein truncation. Multiple pathogenic variants are reported downstream of the variant. Therefore, this variant is classified as Likely pathogenic according to the recommendation of ACMG/AMP guideline.

NM_014874.4(MFN2):c.830dup (p.His277fs)

Gene: MFN2 (mitofusin 2; plus strand). Cytogenetic location: 1p36.22.
Variant type: Duplication.
Coding change: c.830dup on transcript NM_014874.4 (MANE Select); coding-DNA position 830, one base duplicated (A; older notation c.830dupA).
Protein change: p.His277fs; shifts the reading frame from histidine 277.
Molecular consequence: frameshift variant.
Genome position (GRCh38, 1-based): chr1:12,001,414, A duplicated. VCF-style (leftmost placement, unchanged base first): chr1-12001413-C-CA. GRCh37 (hg19) VCF-style: chr1-12061470-C-CA.
Other names: c.830dup, p.His277fs (NM_001127660.2); short protein forms H277fs.
Identifiers: ClinVar variation 4854338 (VCV004854338.1).